The following is an entry in ClinVar:

ClinVar aggregate classification (germline): Likely pathogenic (1 of 4 stars; one submission).

Submission:

Labcorp Genetics (formerly Invitae), Labcorp
Classification: Likely pathogenic. Last evaluated: 2022-02-01. Review status: criteria provided, single submitter. Criteria: Invitae Variant Classification Sherloc (09022015). Collection method: clinical testing. Allele origin: germline.
Comment: Advanced modeling of protein sequence and biophysical properties (such as structural, functional, and spatial information, amino acid conservation, physicochemical variation, residue mobility, and thermodynamic stability) performed at Invitae indicates that this missense variant is expected to disrupt MYO7A protein function. This variant has not been reported in the literature in individuals affected with MYO7A-related conditions. This variant is not present in population databases (gnomAD no frequency). This sequence change replaces glycine, which is neutral and non-polar, with serine, which is neutral and polar, at codon 1782 of the MYO7A protein (p.Gly1782Ser). This variant disrupts the p.Gly1782 amino acid residue in MYO7A. Other variant(s) that disrupt this residue have been determined to be pathogenic (PMID: 30303587). This suggests that this residue is clinically significant, and that variants that disrupt this residue are likely to be disease-causing. In summary, the currently available evidence indicates that the variant is pathogenic, but additional data are needed to prove that conclusively. Therefore, this variant has been classified as Likely Pathogenic.

Literature cited by the submitters: PubMed 30303587.

NM_000260.4(MYO7A):c.5344G>A (p.Gly1782Ser)

Gene: MYO7A (myosin VIIA; plus strand). Cytogenetic location: 11q13.5.
Variant type: single nucleotide variant.
Coding change: c.5344G>A on transcript NM_000260.4 (MANE Select); coding-DNA position 5344, G replaced by A.
Protein change: p.Gly1782Ser; replaces glycine 1782 with serine.
Molecular consequence: missense variant.
Genome position (GRCh38, 1-based): chr11:77,204,093, G>A. VCF-style: chr11-77204093-G-A. GRCh37 (hg19) VCF-style: chr11-76915138-G-A.
Other names: c.5230G>A, p.Gly1744Ser (NM_001127180.2); c.5197G>A, p.Gly1733Ser (NM_001369365.1); short protein forms G1744S, G1782S, G1733S.
Identifiers: ClinVar variation 1988489 (VCV001988489.4), dbSNP rs2497680822, ClinGen allele CA381952531.